The following is an entry in ClinVar:

ClinVar aggregate classification (germline): Likely benign (1 of 4 stars; one submission).

Allele frequency attached by ClinVar (database versions not stated): 1000 Genomes Project 30x 0.00016; 1000 Genomes Project 0.00020; ESP Exome Variant Server 0.00108; TOPMed 0.00131; ExAC 0.00162.
gnomAD v4.1: 3,744 of 1,610,996 alleles (0.23%); highest among the groups gnomAD compares: Non-Finnish European, 0.3%; 11 homozygotes.

Submission:

CeGaT Center for Human Genetics Tuebingen
Classification: Likely benign. Last evaluated: 2023-07-01. Review status: criteria provided, single submitter. Criteria: CeGaT Center For Human Genetics Tuebingen Variant Classification Criteria Version 2. Collection method: clinical testing. Allele origin: germline. Affected: yes. Observed: 2 variant alleles.
Comment: AHNAK2: BP4, BS2

NM_138420.4(AHNAK2):c.12277A>G (p.Lys4093Glu)

Gene: AHNAK2 (AHNAK nucleoprotein 2; minus strand). Cytogenetic location: 14q32.33.
Variant type: single nucleotide variant.
Coding change: c.12277A>G on transcript NM_138420.4 (MANE Select); coding-DNA position 12277, A replaced by G.
Protein change: p.Lys4093Glu; replaces lysine 4093 with glutamic acid.
Molecular consequence: missense variant.
Genome position (GRCh38, 1-based): chr14:104,943,174, T>C on the plus strand (A>G on the coding strand, the complement: AHNAK2 is on the minus strand). VCF-style: chr14-104943174-T-C. GRCh37 (hg19) VCF-style: chr14-105409511-T-C.
Other names: c.11977A>G, p.Lys3993Glu (NM_001350929.2); short protein forms K3993E, K4093E.
Identifiers: ClinVar variation 2644647 (VCV002644647.24), dbSNP rs186542612, ClinGen allele CA7378409.
Genomic context (GRCh38, chr14:104,943,174, plus strand): 5'-CACCATCCAGCTTTGCTCTCGGGGCCTGGACGTCCACCTCCATGCTGGACAGAGACATCT[T>C]CACATCAGGGGCTGTCACTTCCGCCTTGGGGCCTTTCAGGTCCAGCTTGGGGCCCTTAAC-3'
Protein context (NP_612429.2, residues 4083-4103): PKAEVTAPDV[Lys4093Glu]MSLSSMEVDV